The following is an entry in ClinVar:

ClinVar aggregate classification (germline): Benign (1 of 4 stars; one submission).

Conditions:
Pheochromocytoma/paraganglioma syndrome 1. Also called: PARAGANGLIOMAS, FAMILIAL NONCHROMAFFIN, 1; PGL 1; Paragangliomas familial 1; PARAGANGLIOMATA; Paragangliomas 1; Glomus tumors familial 1. Identifiers: Orphanet 29072, MedGen C3494181, MONDO:0008192, OMIM 168000.

Submission:

Myriad Genetics, Inc.
Classification: Benign for Pheochromocytoma/paraganglioma syndrome 1. Last evaluated: 2025-03-18. Review status: criteria provided, single submitter. Criteria: Myriad Autosomal Dominant, Autosomal Recessive and X-Linked Classification Criteria (2023). Collection method: clinical testing. Allele origin: unknown.
Comment: This variant is considered benign. This variant occurs in the non-coding 3' untranslated region of the gene and is not expected to impact protein function.

NM_003002.4(SDHD):c.*3T>C

Gene: SDHD (succinate dehydrogenase complex subunit D; plus strand). Cytogenetic location: 11q23.1.
Variant type: single nucleotide variant.
Coding change: c.*3T>C on transcript NM_003002.4 (MANE Select); 3 bases downstream of the stop codon, T replaced by C.
Molecular consequence: 3 prime UTR variant. On other transcripts: non-coding transcript variant (1).
Genome position (GRCh38, 1-based): chr11:112,094,973, T>C. VCF-style: chr11-112094973-T-C. GRCh37 (hg19) VCF-style: chr11-111965697-T-C.
Other names: c.*80T>C (NM_001276503.2); c.*3T>C (NM_001276504.2); c.*181T>C (NM_001276506.2).
Identifiers: ClinVar variation 3904542 (VCV003904542.1).
Genomic context (GRCh38, chr11:112,094,973, plus strand): 5'-TTTCAACTATCACGATGTGGGCATCTGCAAAGCTGTTGCCATGCTGTGGAAGCTCTGACC[T>C]TTTTGACTTCATACTTTGAAGAATTGATGTATGCCTCTTTGCCTCTGCTTTGTCATGCCA-3'